The following is an entry in ClinVar:

NM_001330691.3(CEP78):c.1649_1653dup (p.Ile552fs)

Gene: CEP78 (centrosomal protein 78; plus strand). Cytogenetic location: 9q21.2.
Variant type: Duplication.
Coding change: c.1649_1653dup on transcript NM_001330691.3 (MANE Select); coding-DNA positions 1649 to 1653, 5 bases duplicated (CTGGG; older notation c.1649_1653dupCTGGG).
Protein change: p.Ile552fs; shifts the reading frame from isoleucine 552.
Molecular consequence: frameshift variant.
Genome position (GRCh38, 1-based): chr9:78,265,395-78,265,399, CTGGG duplicated; duplicating any 5 consecutive bases within chr9:78,265,393-78,265,399 gives the same sequence; the c. name uses the placement nearest the transcript's 3' end. VCF-style (leftmost placement, unchanged base first): chr9-78265392-T-TGGCTG. GRCh37 (hg19) VCF-style: chr9-80880308-T-TGGCTG.
Other names: c.1652_1656dup, p.Ile553fs (NM_001098802.3, NM_001349839.2, NM_001349840.2 and 1 more transcripts); c.1649_1653dup, p.Ile552fs (NM_001330693.3, NM_001330694.2, NM_001349838.2); short protein forms I552fs, I553fs.
Identifiers: ClinVar variation 2700109 (VCV002700109.3), dbSNP rs2489534334, ClinGen allele CA2697557819.

ClinVar aggregate classification (germline): Pathogenic (1 of 4 stars; one submission).

Submission:

Labcorp Genetics (formerly Invitae), Labcorp
Classification: Pathogenic. Last evaluated: 2023-12-01. Review status: criteria provided, single submitter. Criteria: Invitae Variant Classification Sherloc (09022015). Collection method: clinical testing. Allele origin: germline.
Comment: This sequence change creates a premature translational stop signal (p.Ile553Leufs*3) in the CEP78 gene. It is expected to result in an absent or disrupted protein product. Loss-of-function variants in CEP78 are known to be pathogenic (PMID: 27588451, 27588452, 27627988). This variant is not present in population databases (gnomAD no frequency). This variant has not been reported in the literature in individuals affected with CEP78-related conditions. For these reasons, this variant has been classified as Pathogenic.

Literature cited by the submitters: PubMed 27588451; PubMed 27588452; PubMed 27627988.